The following is an entry in ClinVar:

NM_001171.6(ABCC6):c.2302T>C (p.Tyr768His)

Gene: ABCC6 (ATP binding cassette subfamily C member 6; minus strand). Cytogenetic location: 16p13.11.
Variant type: single nucleotide variant.
Coding change: c.2302T>C on transcript NM_001171.6 (MANE Select); coding-DNA position 2302, T replaced by C.
Protein change: p.Tyr768His; replaces tyrosine 768 with histidine.
Molecular consequence: missense variant. On other transcripts: non-coding transcript variant (1).
Genome position (GRCh38, 1-based): chr16:16,178,911, A>G on the plus strand (T>C on the coding strand, the complement: ABCC6 is on the minus strand). VCF-style: chr16-16178911-A-G. GRCh37 (hg19) VCF-style: chr16-16272768-A-G.
Other names: c.1960T>C, p.Tyr654His (NM_001351800.1); short protein forms Y768H, Y654H.
Identifiers: ClinVar variation 1460805 (VCV001460805.8), dbSNP rs1223796455, ClinGen allele CA394888101.

ClinVar aggregate classification (germline): Uncertain significance (1 of 4 stars; one submission).

Allele frequency attached by ClinVar (database versions not stated): gnomAD exomes below 0.00001.
gnomAD v4.1: 1 of 1,613,656 alleles (0.000062%); highest among the groups gnomAD compares: Non-Finnish European, 0.000085%; no homozygotes.

Submission:

Labcorp Genetics (formerly Invitae), Labcorp
Classification: Uncertain significance. Last evaluated: 2021-07-04. Review status: criteria provided, single submitter. Criteria: Invitae Variant Classification Sherloc (09022015). Collection method: clinical testing. Allele origin: germline.
Comment: Advanced modeling of protein sequence and biophysical properties (such as structural, functional, and spatial information, amino acid conservation, physicochemical variation, residue mobility, and thermodynamic stability) performed at Invitae indicates that this missense variant is expected to disrupt ABCC6 protein function. In summary, the available evidence is currently insufficient to determine the role of this variant in disease. Therefore, it has been classified as a Variant of Uncertain Significance. This variant has not been reported in the literature in individuals affected with ABCC6-related conditions. This sequence change replaces tyrosine with histidine at codon 768 of the ABCC6 protein (p.Tyr768His). The tyrosine residue is highly conserved and there is a moderate physicochemical difference between tyrosine and histidine. This variant is not present in population databases (ExAC no frequency).